The following is an entry in ClinVar:

NM_001003800.2(BICD2):c.89C>G (p.Ser30Cys)

Gene: BICD2 (BICD cargo adaptor 2; minus strand). Cytogenetic location: 9q22.31.
Variant type: single nucleotide variant.
Coding change: c.89C>G on transcript NM_001003800.2 (MANE Select); coding-DNA position 89, C replaced by G.
Protein change: p.Ser30Cys; replaces serine 30 with cysteine.
Molecular consequence: missense variant.
Genome position (GRCh38, 1-based): chr9:92,764,656, G>C on the plus strand (C>G on the coding strand, the complement: BICD2 is on the minus strand). VCF-style: chr9-92764656-G-C. GRCh37 (hg19) VCF-style: chr9-95526938-G-C.
Other names: c.89C>G, p.Ser30Cys (NM_015250.4); short protein forms S30C.
Identifiers: ClinVar variation 949791 (VCV000949791.11), dbSNP rs1271773744, ClinGen allele CA374032682.
Genomic context (GRCh38, chr9:92,764,656, plus strand): 5'-ACCGCCAGCCCGTACTCGGCCGCCTGGATCTTCTCACGCGTGGTCTCGGCCAGCTCGTGG[G>C]ACAGCCGCTTCACCTCGGCGCGCAGCCACTCCGGCTGCGCCTCCATCACCAGCCGCGCGT-3'
Protein context (NP_001003800.1, residues 20-40): EWLRAEVKRL[Ser30Cys]HELAETTREK

ClinVar aggregate classification (germline): Uncertain significance. Review status: criteria provided, multiple submitters, no conflicts (2 of 4 stars). 2 submissions from 2 submitters: Uncertain significance (2). Last evaluated 2025-07-31.

Conditions:
Inborn genetic diseases. Identifiers: MedGen C0950123, MeSH D030342.
Autosomal dominant childhood-onset proximal spinal muscular atrophy with contractures (SMALED2A). Also called: SPINAL MUSCULAR ATROPHY, LOWER EXTREMITY-PREDOMINANT, 2A, CHILDHOOD ONSET, AUTOSOMAL DOMINANT; Spinal muscular atrophy, lower extremity-predominant, 2A, autosomal dominant. Identifiers: Orphanet 363447, Orphanet 363454, MedGen C4747715, MONDO:0014121, OMIM 615290.

Submissions (2):

Ambry Genetics
Classification: Uncertain significance for Inborn genetic diseases. Last evaluated: 2025-07-31. Review status: criteria provided, single submitter. Criteria: Ambry Variant Classification Scheme 2023. Collection method: clinical testing. Allele origin: germline.

Labcorp Genetics (formerly Invitae), Labcorp
Classification: Uncertain significance for Autosomal dominant childhood-onset proximal spinal muscular atrophy with contractures. Last evaluated: 2019-07-01. Review status: criteria provided, single submitter. Criteria: Invitae Variant Classification Sherloc (09022015). Collection method: clinical testing. Allele origin: germline.
Comment: Algorithms developed to predict the effect of missense changes on protein structure and function are either unavailable or do not agree on the potential impact of this missense change (SIFT: "Deleterious"; PolyPhen-2: "Possibly Damaging"; Align-GVGD: "Class C0"). In summary, the available evidence is currently insufficient to determine the role of this variant in disease. Therefore, it has been classified as a Variant of Uncertain Significance. This variant has not been reported in the literature in individuals with BICD2-related conditions. This variant is not present in population databases (ExAC no frequency). This sequence change replaces serine with cysteine at codon 30 of the BICD2 protein (p.Ser30Cys). The serine residue is moderately conserved and there is a moderate physicochemical difference between serine and cysteine.